The following is an entry in ClinVar:

NM_001457.4(FLNB):c.601G>A (p.Ala201Thr)

Gene: FLNB (filamin B; plus strand). Cytogenetic location: 3p14.3.
Variant type: single nucleotide variant.
Coding change: c.601G>A on transcript NM_001457.4 (MANE Select); coding-DNA position 601, G replaced by A.
Protein change: p.Ala201Thr; replaces alanine 201 with threonine.
Molecular consequence: missense variant.
Genome position (GRCh38, 1-based): chr3:58,078,776, G>A. VCF-style: chr3-58078776-G-A. GRCh37 (hg19) VCF-style: chr3-58064503-G-A.
Other names: c.601G>A, p.Ala201Thr (NM_001164317.2, NM_001164318.2, NM_001164319.2); short protein forms A201T.
Identifiers: ClinVar variation 4083419 (VCV004083419.1).

ClinVar aggregate classification (germline): Pathogenic (1 of 4 stars; one submission).

Submission:

GeneDx
Classification: Pathogenic. Last evaluated: 2025-03-03. Review status: criteria provided, single submitter. Criteria: GeneDx Variant Classification Process June 2021. Collection method: clinical testing. Allele origin: germline. Affected: yes.
Comment: Not observed at significant frequency in large population cohorts (gnomAD); In silico analysis supports that this missense variant has a deleterious effect on protein structure/function; This variant is associated with the following publications: (PMID: 31218223)